The following is an entry in ClinVar:

ClinVar aggregate classification (germline): Pathogenic/Likely pathogenic. Review status: criteria provided, multiple submitters, no conflicts (2 of 4 stars). 3 submissions from 3 submitters: Pathogenic (2); Likely pathogenic (1). Last evaluated 2025-10-14.

Conditions:
Hypotonia, infantile, with psychomotor retardation and characteristic facies 2 (IHPRF2). Also called: UNC80 Deficiency. Identifiers: Orphanet 371364, Orphanet 700333, MedGen C4225203, MONDO:0014777, OMIM 616801.

Submissions (3):

3billion
Classification: Pathogenic for Hypotonia, infantile, with psychomotor retardation and characteristic facies 2. Last evaluated: 2025-10-14. Review status: criteria provided, single submitter. Criteria: ACMG Guidelines, 2015. Collection method: clinical testing. Allele origin: germline. Affected: yes.
Comment: The variant is observed at an extremely low frequency in the gnomAD v4.1.0 dataset (total allele frequency: <0.001%). Predicted Consequence/Location: Stop-gained (nonsense): predicted to result in a loss or disruption of normal protein function through nonsense-mediated decay (NMD) or protein truncation. Multiple pathogenic variants are reported downstream of the variant. The variant has been reported at least twice as pathogenic with clinical assertions and evidence for the classification (ClinVar ID: VCV003681924). Therefore, this variant is classified as Pathogenic according to the recommendation of ACMG/AMP guideline.

Laboratory of Genetics, Children's Clinical University Hospital Latvia
Classification: Likely pathogenic. Last evaluated: 2025-02-16. Review status: criteria provided, single submitter. Criteria: ACMG Guidelines, 2015. Collection method: clinical testing. Allele origin: germline. Affected: yes.

Labcorp Genetics (formerly Invitae), Labcorp
Classification: Pathogenic. Last evaluated: 2024-02-12. Review status: criteria provided, single submitter. Criteria: Invitae Variant Classification Sherloc (09022015). Collection method: clinical testing. Allele origin: germline.
Comment: This sequence change creates a premature translational stop signal (p.Arg291*) in the UNC80 gene. It is expected to result in an absent or disrupted protein product. Loss-of-function variants in UNC80 are known to be pathogenic (PMID: 26545877, 26708751, 26708753). This variant is present in population databases (no rsID available, gnomAD 0.007%). This variant has not been reported in the literature in individuals affected with UNC80-related conditions. Algorithms developed to predict the effect of sequence changes on RNA splicing suggest that this variant may disrupt the consensus splice site. For these reasons, this variant has been classified as Pathogenic.

Literature cited by the submitters: PubMed 26545877 (cited by Labcorp Genetics (formerly Invitae), Labcorp); PubMed 26708751 (cited by Labcorp Genetics (formerly Invitae), Labcorp); PubMed 26708753 (cited by Labcorp Genetics (formerly Invitae), Labcorp).

NM_001371986.1(UNC80):c.871C>T (p.Arg291Ter)

Gene: UNC80 (unc-80 subunit of NALCN channel complex; plus strand). Cytogenetic location: 2q34.
Variant type: single nucleotide variant.
Coding change: c.871C>T on transcript NM_001371986.1 (MANE Select); coding-DNA position 871, C replaced by T.
Protein change: p.Arg291Ter; replaces arginine 291 with a stop codon.
Molecular consequence: nonsense.
Genome position (GRCh38, 1-based): chr2:209,793,792, C>T. VCF-style: chr2-209793792-C-T. GRCh37 (hg19) VCF-style: chr2-210658516-C-T.
Other names: c.871C>T, p.Arg291Ter (NM_032504.2, NM_182587.4); short protein forms R291*.
Identifiers: ClinVar variation 3681924 (VCV003681924.4).
Genomic context (GRCh38, chr2:209,793,792, plus strand): 5'-GTTTGTGAAACATTCCAGTCTGATTCCATCTCACCCAAGGCCACCATTTCAGGCTGTCAC[C>T]GAGGAAACTCCTTTGATGGAAGTCTGTCCTCCCAAACTTCCCAGGAAAGAGGCCCATCAC-3'